The following is an entry in ClinVar:

ClinVar aggregate classification (germline): Pathogenic (1 of 4 stars; one submission).

Conditions:
Mucopolysaccharidosis, MPS-III-B (MPS3B). Also called: N-ACETYL-ALPHA-D-GLUCOSAMINIDASE DEFICIENCY; NAGLU DEFICIENCY; SANFILIPPO SYNDROME B; MPS III B; MUCOPOLYSACCHARIDOSIS, TYPE IIIB; Mucopolysaccharidosis type IIIB (Sanfilippo B). Identifiers: Orphanet 79270, MedGen C0086648, MONDO:0009656, OMIM 252920.

Submission:

Myriad Genetics, Inc.
Classification: Pathogenic for Mucopolysaccharidosis, MPS-III-B. Last evaluated: 2023-09-27. Review status: criteria provided, single submitter. Criteria: Myriad Autosomal Dominant, Autosomal Recessive and X-Linked Classification Criteria (2023). Collection method: clinical testing. Allele origin: unknown.
Comment: NM_000263.3(NAGLU):c.155dupT(E53Gfs*139) is expected to be pathogenic in the context of mucopolysaccharidosis type IIIB. This variant is predicted to lead to an abnormal or absent protein product due to the creation of a premature termination codon in NAGLU, a gene where loss-of-function variants are known to be pathogenic. Please note: this variant was assessed in the context of healthy population screening.

NM_000263.4(NAGLU):c.155dup (p.Glu53fs)

Genes: NAGLU (N-acetyl-alpha-glucosaminidase; plus strand), LOC130060903 (ATAC-STARR-seq lymphoblastoid silent region 8533; plus strand). Cytogenetic location: 17q21.2.
Variant type: Duplication.
Coding change: c.155dup on transcript NM_000263.4 (MANE Select); coding-DNA position 155, one base duplicated (T; older notation c.155dupT).
Protein change: p.Glu53fs; shifts the reading frame from glutamic acid 53.
Molecular consequence: frameshift variant.
Genome position (GRCh38, 1-based): chr17:42,536,427, T duplicated. VCF-style (leftmost placement, unchanged base first): chr17-42536426-G-GT. GRCh37 (hg19) VCF-style: chr17-40688444-G-GT.
Other names: short protein forms E53fs.
Identifiers: ClinVar variation 5012201 (VCV005012201.1).